The following is an entry in ClinVar:

NM_000543.5(SMPD1):c.1486+1G>T

Gene: SMPD1 (sphingomyelin phosphodiesterase 1; plus strand). Cytogenetic location: 11p15.4.
Variant type: single nucleotide variant.
Coding change: c.1486+1G>T on transcript NM_000543.5 (MANE Select); the canonical splice donor site of the intron after coding-DNA position 1486, G replaced by T.
Molecular consequence: splice donor variant.
Genome position (GRCh38, 1-based): chr11:6,394,042, G>T. VCF-style: chr11-6394042-G-T. GRCh37 (hg19) VCF-style: chr11-6415272-G-T.
Other names: c.565+1G>T (NM_001318088.2); c.1354+1G>T (NM_001365135.2); c.1486+1G>T (NM_001318087.2); c.1483+1G>T (NM_001007593.3).
Identifiers: ClinVar variation 2948884 (VCV002948884.3), dbSNP rs2493820770, ClinGen allele CA379375620.

ClinVar aggregate classification (germline): Pathogenic (1 of 4 stars; one submission).

Conditions:
Niemann-Pick disease, type A. Also called: SPHINGOMYELIN LIPIDOSIS; SPHINGOMYELINASE DEFICIENCY; Infantile Neurovisceral ASMD (Niemann-Pick Disease Type A; NPD-A). Identifiers: Orphanet 77292, MedGen C0268242, MONDO:0009756, OMIM 257200. Disease mechanism: loss of function.
Niemann-Pick disease, type B. Also called: Chronic Visceral ASMD (Niemann-Pick Disease Type B; NPD-B). Identifiers: Orphanet 77293, MedGen C0268243, MONDO:0011871, OMIM 607616. Disease mechanism: loss of function.

Submission:

Labcorp Genetics (formerly Invitae), Labcorp
Classification: Pathogenic for Niemann-Pick disease, type B; Niemann-Pick disease, type A. Last evaluated: 2023-06-15. Review status: criteria provided, single submitter. Criteria: Invitae Variant Classification Sherloc (09022015). Collection method: clinical testing. Allele origin: germline.
Comment: Variants that disrupt the consensus splice site are a relatively common cause of aberrant splicing (PMID: 17576681, 9536098). Algorithms developed to predict the effect of sequence changes on RNA splicing suggest that this variant may disrupt the consensus splice site. This variant has not been reported in the literature in individuals affected with SMPD1-related conditions. This variant is not present in population databases (gnomAD no frequency). This sequence change affects a donor splice site in intron 5 of the SMPD1 gene. While this variant is not anticipated to result in nonsense mediated decay, it likely alters RNA splicing and results in a disrupted protein product. For these reasons, this variant has been classified as Pathogenic. This variant disrupts a region of the SMPD1 protein in which other variant(s) (p.Tyr519Cys) have been determined to be pathogenic (PMID: 15221801, 27338287). This suggests that this is a clinically significant region of the protein, and that variants that disrupt it are likely to be disease-causing.

Literature cited by the submitters: PubMed 17576681; PubMed 9536098; PubMed 15221801; PubMed 27338287.